The following is an entry in ClinVar:

NM_002471.4(MYH6):c.2204G>T (p.Gly735Val)

Gene: MYH6 (myosin heavy chain 6; minus strand). Cytogenetic location: 14q11.2.
Variant type: single nucleotide variant.
Coding change: c.2204G>T on transcript NM_002471.4 (MANE Select); coding-DNA position 2204, G replaced by T.
Protein change: p.Gly735Val; replaces glycine 735 with valine.
Molecular consequence: missense variant.
Genome position (GRCh38, 1-based): chr14:23,396,782, C>A on the plus strand (G>T on the coding strand, the complement: MYH6 is on the minus strand). VCF-style: chr14-23396782-C-A. GRCh37 (hg19) VCF-style: chr14-23865991-C-A.
Other names: short protein forms G735V.
Identifiers: ClinVar variation 4860567 (VCV004860567.1).
Genomic context (GRCh38, chr14:23,396,782, plus strand): 5'-TGATCAATGTCCAGAGAGCTGAGCAGCTTCTCTGTCCCCTTCCTGCTATCAATGAACTGT[C>A]CCTCAGGGATGGCCACTGGGTTCAGGATGCGATACCTGAGGAGGGAAGTGTCCAGAGTCA-3'
Protein context (NP_002462.2, residues 725-745): RILNPVAIPE[Gly735Val]QFIDSRKGTE

ClinVar aggregate classification (germline): Uncertain significance (1 of 4 stars; one submission).

Conditions:
Cardiovascular phenotype. Identifiers: MedGen CN230736.

gnomAD v4.1: 1 of 1,613,996 alleles (0.000062%); highest among the groups gnomAD compares: Non-Finnish European, 0.000085%; no homozygotes.

Submission:

Ambry Genetics
Classification: Uncertain significance for Cardiovascular phenotype. Last evaluated: 2026-05-12. Review status: criteria provided, single submitter. Criteria: Ambry Variant Classification Scheme 2023. Collection method: clinical testing. Allele origin: germline.
Comment: The p.G735V variant (also known as c.2204G>T), located in coding exon 17 of the MYH6 gene, results from a G to T substitution at nucleotide position 2204. The glycine at codon 735 is replaced by valine, an amino acid with dissimilar properties. This amino acid position is highly conserved in available vertebrate species. In addition, this alteration is predicted to be deleterious by in silico analysis. Based on the available evidence, the clinical significance of this variant remains unclear.